The following is an entry in ClinVar:

ClinVar aggregate classification (germline): Benign; protective. Review status: no assertion criteria provided (0 of 4 stars). 2 submissions from 2 submitters: Benign (1). Last evaluated 2025-01-07.

Conditions:
Neuroblastoma, susceptibility to, 7 (NBLST7). Identifiers: Orphanet 635, MedGen C4225207, MONDO:0014774, OMIM 616792.
LMO1 POLYMORPHISM.

Allele frequency attached by ClinVar (database versions not stated): 1000 Genomes Project 30x 0.19878; 1000 Genomes Project 0.20228; TOPMed 0.22308; gnomAD 0.23481 and 0.23723.
gnomAD v4.1: 36,168 of 152,076 alleles (24%); highest among the groups gnomAD compares: Non-Finnish European, 30%; 5,286 homozygotes.

Submissions (2):

OMIM
Classification: Benign for LMO1 POLYMORPHISM. Last evaluated: 2025-01-07. Review status: no assertion criteria provided. Collection method: literature only. Allele origin: germline.

ClinVar Staff, National Center for Biotechnology Information (NCBI)
Classification: protective for Neuroblastoma, susceptibility to, 7. Review status: no assertion criteria provided. Collection method: literature only. Allele origin: germline.
Comment: Oldridge et al., 2015 (PubMed 26560027) state that the SNP rs2168101 G>T is the most highly associated variant (combined P = 7.47 × 10(-29), odds ratio 0.65, 95% confidence interval 0.60-0.70), and resides in a super-enhancer defined by extensive acetylation of histone H3 lysine 27 within the first intron of LMO1. The ancestral G allele that is associated with tumour formation resides in a conserved GATA transcription factor binding motif. We show that the newly evolved protective TATA allele is associated with decreased total LMO1 expression (P = 0.028) in neuroblastoma primary tumours, and ablates GATA3 binding."

Literature cited by the submitters: PubMed 21124317 (cited by OMIM); PubMed 26560027 (cited by OMIM and ClinVar Staff, National Center for Biotechnology Information (NCBI)).

NM_002315.3(LMO1):c.26-3357G>T

Gene: LMO1 (LIM domain only 1; minus strand). Cytogenetic location: 11p15.4.
Variant type: single nucleotide variant.
Coding change: c.26-3357G>T on transcript NM_002315.3 (MANE Select); 3357 bases into the intron before coding-DNA position 26, G replaced by T.
Molecular consequence: intron variant.
Genome position (GRCh38, 1-based): chr11:8,233,861, C>A on the plus strand (G>T on the coding strand, the complement: LMO1 is on the minus strand). VCF-style: chr11-8233861-C-A. GRCh37 (hg19) VCF-style: chr11-8255408-C-A.
Other names: IVS1, G-T (rs2168101); c.23-3357G>T (NM_001270428.2).
Identifiers: ClinVar variation 221554 (VCV000221554.3), dbSNP rs2168101, ClinGen allele CA058229.